The following is an entry in ClinVar:

NM_001457.4(FLNB):c.3127-277G>T

Gene: FLNB (filamin B; plus strand). Cytogenetic location: 3p14.3.
Variant type: single nucleotide variant.
Coding change: c.3127-277G>T on transcript NM_001457.4 (MANE Select); 277 bases into the intron before coding-DNA position 3127, G replaced by T.
Molecular consequence: intron variant.
Genome position (GRCh38, 1-based): chr3:58,122,816, G>T. VCF-style: chr3-58122816-G-T. GRCh37 (hg19) VCF-style: chr3-58108543-G-T.
Other names: c.3127-277G>T (NM_001164317.2, NM_001164318.2, NM_001164319.2).
Identifiers: ClinVar variation 671398 (VCV000671398.1), dbSNP rs35327008, ClinGen allele CA11362520.

ClinVar aggregate classification (germline): Likely benign (1 of 4 stars; one submission).

Allele frequency attached by ClinVar (database versions not stated): 1000 Genomes Project 0.00919; 1000 Genomes Project 30x 0.01031; gnomAD 0.01848 and 0.01907; TOPMed 0.02059.
gnomAD v4.1: 2,866 of 152,270 alleles (1.9%); highest among the groups gnomAD compares: Middle Eastern, 3.1%; 37 homozygotes.

Submission:

GeneDx
Classification: Likely benign. Last evaluated: 2018-06-17. Review status: criteria provided, single submitter. Criteria: GeneDx Variant Classification (06012015). Collection method: clinical testing. Allele origin: germline. Affected: yes.
Comment: This variant is considered likely benign or benign based on one or more of the following criteria: it is a conservative change, it occurs at a poorly conserved position in the protein, it is predicted to be benign by multiple in silico algorithms, and/or has population frequency not consistent with disease.